The following is an entry in ClinVar:

NM_002335.4(LRP5):c.3446T>A (p.Leu1149Gln)

Gene: LRP5 (LDL receptor related protein 5; plus strand). Cytogenetic location: 11q13.2.
Variant type: single nucleotide variant.
Coding change: c.3446T>A on transcript NM_002335.4 (MANE Select); coding-DNA position 3446, T replaced by A.
Protein change: p.Leu1149Gln; replaces leucine 1149 with glutamine.
Molecular consequence: missense variant.
Genome position (GRCh38, 1-based): chr11:68,425,996, T>A. VCF-style: chr11-68425996-T-A. GRCh37 (hg19) VCF-style: chr11-68193464-T-A.
Other names: c.1703T>A, p.Leu568Gln (NM_001291902.2); short protein forms L1149Q, L568Q.
Identifiers: ClinVar variation 806708 (VCV000806708.56), dbSNP rs200389686, ClinGen allele CA6150002.

ClinVar aggregate classification (germline): Conflicting classifications of pathogenicity. Review status: criteria provided, conflicting classifications (1 of 4 stars). 7 submissions from 7 submitters: Likely pathogenic (1); Uncertain significance (4); Benign (1); Likely benign (1). Last evaluated 2026-01-12.

Conditions:
Autosomal dominant osteopetrosis 1 (OPTA1). Also called: OSTEOPETROSIS, AUTOSOMAL DOMINANT, TYPE I. Identifiers: Orphanet 2783, MedGen C1843330, MONDO:0011877, OMIM 607634.
Polycystic liver disease 4 with or without kidney cysts. Identifiers: MedGen C4693479, MONDO:0044327, OMIM 617875.
Worth disease. Also called: ENDOSTEAL HYPEROSTOSIS, AUTOSOMAL DOMINANT; Autosomal dominant osteosclerosis, Worth type; OSTEOSCLEROSIS, AUTOSOMAL DOMINANT. Identifiers: Orphanet 2790, MedGen C0432273, MONDO:0007764, OMIM 144750.
Exudative vitreoretinopathy 4 (EVR4). Identifiers: Orphanet 891, MedGen C1866176, MONDO:0011151, OMIM 601813.
Exudative vitreoretinopathy 1 (EVR1). Also called: CRISWICK-SCHEPENS SYNDROME; FEVR, AUTOSOMAL DOMINANT; Familial exudative vitreoretinopathy, autosomal dominant. Identifiers: Orphanet 891, Orphanet 90050, MedGen C1851402, MONDO:0007589, OMIM 133780.
Osteoporosis with pseudoglioma (OPPG). Also called: osteoporosis-pseudoglioma syndrome. Identifiers: Orphanet 2788, MedGen C0432252, MONDO:0009820, OMIM 259770.
Bone mineral density quantitative trait locus 1 (BMND1). Identifiers: MedGen C1866079, OMIM 601884.

Allele frequency attached by ClinVar (database versions not stated): TOPMed 0.00029; ESP Exome Variant Server 0.00046.
gnomAD v4.1: 371 of 1,612,198 alleles (0.023%); highest among the groups gnomAD compares: Non-Finnish European, 0.0048%; 4 homozygotes.

Submissions (7):

Labcorp Genetics (formerly Invitae), Labcorp
Classification: Benign. Last evaluated: 2026-01-12. Review status: criteria provided, single submitter. Criteria: Invitae Variant Classification Sherloc (09022015). Collection method: clinical testing. Allele origin: germline.

Women's Health and Genetics/Laboratory Corporation of America, LabCorp
Classification: Uncertain significance. Last evaluated: 2025-05-06. Review status: criteria provided, single submitter. Criteria: LabCorp Variant Classification Summary - May 2015. Collection method: clinical testing. Allele origin: germline.
Comment: Variant summary: LRP5 c.3446T>A (p.Leu1149Gln) results in a non-conservative amino acid change in the encoded protein sequence. Algorithms developed to predict the effect of missense changes on protein structure and function all suggest that this variant is likely to be disruptive. The variant allele was found at a frequency of 0.0004 in 249506 control chromosomes, predominantly at a frequency of 0.00011 within the Non-Finnish European subpopulation in the gnomAD database. The observed variant frequency within Non-Finnish European control individuals in the gnomAD database is approximately 1.76 fold of the estimated maximal expected allele frequency for a pathogenic variant in LRP5 causing Familial Exudative Vitreoretinopathy phenotype (6.3e-05). c.3446T>A has been observed in three individuals affected with osteogenesis imperfecta (Korvala_2012). These data indicate that the variant may be associated with disease. At least one publication reports experimental evidence evaluating an impact on protein function; however, the result does not allow convincing conclusions about the variant effect (Korvala_2012). The following publications have been ascertained in the context of this evaluation (PMID: 28378289, 22487062). ClinVar contains an entry for this variant (Variation ID: 806708). Based on the evidence outlined above, the variant was classified as VUS-possibly benign.

Blueprint Genetics
Classification: Likely benign. Last evaluated: 2024-11-21. Review status: criteria provided, single submitter. Criteria: ACMG Guidelines, 2015. Collection method: clinical testing. Allele origin: germline.

Fulgent Genetics
Classification: Uncertain significance for Worth disease; Osteoporosis with pseudoglioma; Exudative vitreoretinopathy 4; Bone mineral density quantitative trait locus 1; Autosomal dominant osteopetrosis 1; Polycystic liver disease 4 with or without kidney cysts. Last evaluated: 2024-05-11. Review status: criteria provided, single submitter. Criteria: ACMG Guidelines, 2015. Collection method: clinical testing. Allele origin: germline.

GeneDx
Classification: Uncertain significance. Last evaluated: 2022-12-27. Review status: criteria provided, single submitter. Criteria: GeneDx Variant Classification Process June 2021. Collection method: clinical testing. Allele origin: germline. Affected: yes.
Comment: In silico analysis supports that this missense variant has a deleterious effect on protein structure/function; This variant is associated with the following publications: (PMID: 28378289, 22487062, 25086671)

Department of Pathology and Laboratory Medicine, Sinai Health System
Classification: Uncertain significance for Exudative vitreoretinopathy 1; Worth disease; Osteoporosis with pseudoglioma; Exudative vitreoretinopathy 4; Autosomal dominant osteopetrosis 1; Polycystic liver disease 4 with or without kidney cysts. Last evaluated: 2021-10-06. Review status: criteria provided, single submitter. Criteria: ACMG Guidelines, 2015. Collection method: research. Allele origin: germline.

CeGaT Center for Human Genetics Tuebingen
Classification: Likely pathogenic. Last evaluated: 2016-05-01. Review status: criteria provided, single submitter. Criteria: CeGaT Center For Human Genetics Tuebingen Variant Classification Criteria Version 2. Collection method: clinical testing. Allele origin: germline. Affected: yes. Observed: 1 variant allele.

Literature cited by the submitters: PubMed 28378289 (cited by Women's Health and Genetics/Laboratory Corporation of America, LabCorp); PubMed 22487062 (cited by Women's Health and Genetics/Laboratory Corporation of America, LabCorp).